The following is an entry in ClinVar:

ClinVar aggregate classification (germline): Uncertain significance (1 of 4 stars; one submission).

Allele frequency attached by ClinVar (database versions not stated): ExAC 0.00007; gnomAD 0.00009; TOPMed 0.00009; gnomAD exomes 0.00011 and 0.00018; ESP Exome Variant Server 0.00023.
gnomAD v4.1: 274 of 1,613,926 alleles (0.017%); highest among the groups gnomAD compares: Non-Finnish European, 0.023%; no homozygotes.

Submission:

Labcorp Genetics (formerly Invitae), Labcorp
Classification: Uncertain significance. Last evaluated: 2022-07-05. Review status: criteria provided, single submitter. Criteria: Invitae Variant Classification Sherloc (09022015). Collection method: clinical testing. Allele origin: germline.
Comment: This sequence change replaces methionine, which is neutral and non-polar, with threonine, which is neutral and polar, at codon 259 of the POC1A protein (p.Met259Thr). This variant is present in population databases (rs141779122, gnomAD 0.02%). This variant has not been reported in the literature in individuals affected with POC1A-related conditions. ClinVar contains an entry for this variant (Variation ID: 1394310). Algorithms developed to predict the effect of missense changes on protein structure and function are either unavailable or do not agree on the potential impact of this missense change (SIFT: "Not Available"; PolyPhen-2: "Benign"; Align-GVGD: "Not Available"). In summary, the available evidence is currently insufficient to determine the role of this variant in disease. Therefore, it has been classified as a Variant of Uncertain Significance.

NM_015426.5(POC1A):c.776T>C (p.Met259Thr)

Gene: POC1A (POC1 centriolar protein A; minus strand). Cytogenetic location: 3p21.2.
Variant type: single nucleotide variant.
Coding change: c.776T>C on transcript NM_015426.5 (MANE Select); coding-DNA position 776, T replaced by C.
Protein change: p.Met259Thr; replaces methionine 259 with threonine.
Molecular consequence: missense variant.
Genome position (GRCh38, 1-based): chr3:52,138,206, A>G on the plus strand (T>C on the coding strand, the complement: POC1A is on the minus strand). VCF-style: chr3-52138206-A-G. GRCh37 (hg19) VCF-style: chr3-52172222-A-G.
Other names: c.662T>C, p.Met221Thr (NM_001161581.2); c.776T>C, p.Met259Thr (NM_001161580.2); short protein forms M221T, M259T.
Identifiers: ClinVar variation 1394310 (VCV001394310.3), dbSNP rs141779122, ClinGen allele CA2429503.